The following is an entry in ClinVar:

ClinVar aggregate classification (germline): Uncertain significance (1 of 4 stars; one submission).

Conditions:
GCKR-related disorder. Also called: GCKR-related condition.

Submission:

PreventionGenetics, part of Exact Sciences
Classification: Uncertain significance for GCKR-related condition. Last evaluated: 2025-06-05. Review status: criteria provided, single submitter. Criteria: ACMG Guidelines, 2015. Collection method: clinical testing. Allele origin: germline.
Comment: The GCKR c.268G>T variant is predicted to result in the amino acid substitution p.Val90Phe. To our knowledge, this variant has not been reported in the literature or in a large population database (gnomAD), indicating this variant is rare. At this time, the clinical significance of this variant is uncertain due to the absence of conclusive functional and genetic evidence.

NM_001486.4(GCKR):c.268G>T (p.Val90Phe)

Gene: GCKR (glucokinase regulator; plus strand). Cytogenetic location: 2p23.3.
Variant type: single nucleotide variant.
Coding change: c.268G>T on transcript NM_001486.4 (MANE Select); coding-DNA position 268, G replaced by T.
Protein change: p.Val90Phe; replaces valine 90 with phenylalanine.
Molecular consequence: missense variant.
Genome position (GRCh38, 1-based): chr2:27,497,613, G>T. VCF-style: chr2-27497613-G-T. GRCh37 (hg19) VCF-style: chr2-27720480-G-T.
Other names: short protein forms V90F.
Identifiers: ClinVar variation 5000673 (VCV005000673.1).